The following is an entry in ClinVar:

NM_003331.5(TYK2):c.2629G>A (p.Val877Ile)

Gene: TYK2 (tyrosine kinase 2; minus strand). Cytogenetic location: 19p13.2.
Variant type: single nucleotide variant.
Coding change: c.2629G>A on transcript NM_003331.5 (MANE Select); coding-DNA position 2629, G replaced by A.
Protein change: p.Val877Ile; replaces valine 877 with isoleucine.
Molecular consequence: missense variant.
Genome position (GRCh38, 1-based): chr19:10,354,598, C>T on the plus strand (G>A on the coding strand, the complement: TYK2 is on the minus strand). VCF-style: chr19-10354598-C-T. GRCh37 (hg19) VCF-style: chr19-10465274-C-T.
Other names: c.2629G>A, p.Val877Ile (NM_001385197.1, NM_001385198.1); c.2443G>A, p.Val815Ile (NM_001385199.1); c.2626G>A, p.Val876Ile (NM_001385200.1); c.2431G>A, p.Val811Ile (NM_001385201.1); c.2545G>A, p.Val849Ile (NM_001385202.1); c.2710G>A, p.Val904Ile (NM_001385203.1); c.2839G>A, p.Val947Ile (NM_001385204.1); c.2539G>A, p.Val847Ile (NM_001385205.1); and 2 more; short protein forms V847I, V849I, V871I, V904I, V947I, V811I, V835I, V876I.
Identifiers: ClinVar variation 1441576 (VCV001441576.8), dbSNP rs146540753, ClinGen allele CA9192977.

ClinVar aggregate classification (germline): Uncertain significance (1 of 4 stars; one submission).

Conditions:
Immunodeficiency 35 (IMD35). Also called: TYK2 DEFICIENCY; Susceptibility to infection due to TYK2 deficiency; HIES WITH ATYPICAL MYCOBACTERIOSIS, AUTOSOMAL RECESSIVE; HYPER-IgE SYNDROME WITH ATYPICAL MYCOBACTERIOSIS, AUTOSOMAL RECESSIVE. Identifiers: Orphanet 331226, MedGen C1969086, MONDO:0012682, OMIM 611521.

Allele frequency attached by ClinVar (database versions not stated): gnomAD 0.00001; ExAC 0.00002; TOPMed 0.00004; ESP Exome Variant Server 0.00008.
gnomAD v4.1: 11 of 1,613,828 alleles (0.00068%); highest among the groups gnomAD compares: South Asian, 0.0055%; no homozygotes.

Submission:

Labcorp Genetics (formerly Invitae), Labcorp
Classification: Uncertain significance for Immunodeficiency 35. Last evaluated: 2022-07-19. Review status: criteria provided, single submitter. Criteria: Invitae Variant Classification Sherloc (09022015). Collection method: clinical testing. Allele origin: germline.
Comment: ClinVar contains an entry for this variant (Variation ID: 1441576). This variant has not been reported in the literature in individuals affected with TYK2-related conditions. This variant is present in population databases (rs146540753, gnomAD 0.006%). This sequence change replaces valine, which is neutral and non-polar, with isoleucine, which is neutral and non-polar, at codon 877 of the TYK2 protein (p.Val877Ile). In summary, the available evidence is currently insufficient to determine the role of this variant in disease. Therefore, it has been classified as a Variant of Uncertain Significance. Algorithms developed to predict the effect of missense changes on protein structure and function output the following: SIFT: "Not Available"; PolyPhen-2: "Benign"; Align-GVGD: "Not Available". The isoleucine amino acid residue is found in multiple mammalian species, which suggests that this missense change does not adversely affect protein function.